The following is an entry in ClinVar:

ClinVar aggregate classification (germline): Conflicting classifications of pathogenicity. Review status: criteria provided, conflicting classifications (1 of 4 stars). 5 submissions from 5 submitters: Uncertain significance (4); Likely benign (1). Last evaluated 2025-04-01.

Conditions:
Congenital Muscular Dystrophy, alpha-dystroglycan related.
Autosomal recessive limb-girdle muscular dystrophy type 2U. Also called: MUSCULAR DYSTROPHY, LIMB-GIRDLE, TYPE 2U; Muscular dystrophy-dystroglycanopathy (limb-girdle), type c, 7. Identifiers: Orphanet 352479, MedGen C5190987, MONDO:0014474, OMIM 616052.
Muscular dystrophy-dystroglycanopathy (congenital with brain and eye anomalies), type A, 7. Also called: WALKER-WARBURG SYNDROME OR MUSCLE-EYE-BRAIN DISEASE, ISPD-RELATED; Congenital muscular dystrophy-dystroglycanopathy with brain and eye anomalies, type A7. Identifiers: Orphanet 899, MedGen C3553330, MONDO:0013835, OMIM 614643.

Allele frequency attached by ClinVar (database versions not stated): gnomAD 0.00006 and 0.00007; gnomAD exomes 0.00006 and 0.00022; TOPMed 0.00011; 1000 Genomes Project 30x 0.00016; ExAC 0.00020.
gnomAD v4.1: 97 of 1,605,742 alleles (0.006%); highest among the groups gnomAD compares: Admixed American, 0.1%; 1 homozygote.

Submissions (5):

Revvity Omics, Revvity
Classification: Uncertain significance. Last evaluated: 2025-04-01. Review status: criteria provided, single submitter. Criteria: ACMG Guidelines, 2015. Collection method: clinical testing. Allele origin: germline.

Labcorp Genetics (formerly Invitae), Labcorp
Classification: Uncertain significance for Muscular dystrophy-dystroglycanopathy (congenital with brain and eye anomalies), type A, 7; Autosomal recessive limb-girdle muscular dystrophy type 2U. Last evaluated: 2023-12-30. Review status: criteria provided, single submitter. Criteria: Invitae Variant Classification Sherloc (09022015). Collection method: clinical testing. Allele origin: germline.
Comment: This sequence change replaces arginine, which is basic and polar, with glutamine, which is neutral and polar, at codon 184 of the ISPD protein (p.Arg184Gln). This variant is present in population databases (rs773739293, gnomAD 0.1%), including at least one homozygous and/or hemizygous individual. This variant has not been reported in the literature in individuals affected with ISPD-related conditions. ClinVar contains an entry for this variant (Variation ID: 289677). Advanced modeling of protein sequence and biophysical properties (such as structural, functional, and spatial information, amino acid conservation, physicochemical variation, residue mobility, and thermodynamic stability) performed at Invitae indicates that this missense variant is expected to disrupt ISPD protein function with a positive predictive value of 80%. In summary, the available evidence is currently insufficient to determine the role of this variant in disease. Therefore, it has been classified as a Variant of Uncertain Significance.

GeneDx
Classification: Likely benign. Last evaluated: 2019-02-01. Review status: criteria provided, single submitter. Criteria: GeneDx Variant Classification Process June 2021. Collection method: clinical testing. Allele origin: germline. Affected: yes.

Illumina Laboratory Services, Illumina
Classification: Uncertain significance for Congenital Muscular Dystrophy, alpha-dystroglycan related. Last evaluated: 2018-01-13. Review status: criteria provided, single submitter. Criteria: ICSL Variant Classification Criteria 13 December 2019. Collection method: clinical testing. Allele origin: germline.

Eurofins Ntd Llc (ga)
Classification: Uncertain significance. Last evaluated: 2016-07-27. Review status: criteria provided, single submitter. Criteria: EGL Classification Definitions 2015. Collection method: clinical testing. Allele origin: germline. Observed: 1 variant allele, 1 heterozygote.

NM_001101426.4(CRPPA):c.551G>A (p.Arg184Gln)

Gene: CRPPA (CDP-L-ribitol pyrophosphorylase A; minus strand). Cytogenetic location: 7p21.2.
Variant type: single nucleotide variant.
Coding change: c.551G>A on transcript NM_001101426.4 (MANE Select); coding-DNA position 551, G replaced by A.
Protein change: p.Arg184Gln; replaces arginine 184 with glutamine.
Molecular consequence: missense variant. On other transcripts: non-coding transcript variant (1), intron variant (1).
Genome position (GRCh38, 1-based): chr7:16,376,225, C>T on the plus strand (G>A on the coding strand, the complement: CRPPA is on the minus strand). VCF-style: chr7-16376225-C-T. GRCh37 (hg19) VCF-style: chr7-16415850-C-T.
Other names: c.551G>A, p.Arg184Gln (NM_001368197.1); c.534+29836G>A (NM_001101417.4); short protein forms R184Q.
Identifiers: ClinVar variation 289677 (VCV000289677.19), dbSNP rs773739293, ClinGen allele CA4169569.